The following is an entry in ClinVar:

NM_001171.6(ABCC6):c.3736-7_3736-6delinsAA

Gene: ABCC6 (ATP binding cassette subfamily C member 6; minus strand). Cytogenetic location: 16p13.11.
Variant type: Indel.
Coding change: c.3736-7_3736-6delinsAA on transcript NM_001171.6 (MANE Select); 7 bases into the intron before coding-DNA position 3736 through 6 bases into the intron before coding-DNA position 3736, GC replaced by AA.
Molecular consequence: intron variant.
Genome position (GRCh38, 1-based): chr16:16,157,815-16,157,816, GC replaced by TT on the plus strand (GC replaced by AA on the coding strand, the reverse complement: ABCC6 is on the minus strand). VCF-style: chr16-16157815-GC-TT. GRCh37 (hg19) VCF-style: chr16-16251672-GC-TT.
Other names: c.3394-7_3394-6delinsAA (NM_001351800.1).
Identifiers: ClinVar variation 1956011 (VCV001956011.4), dbSNP rs2510955665, ClinGen allele CA2580090806.

ClinVar aggregate classification (germline): Uncertain significance. Review status: criteria provided, single submitter (1 of 4 stars). 2 submissions from 2 submitters: Uncertain significance (1). 1 of the submissions does not count toward it. Last evaluated 2025-04-28.

Conditions:
Retinal dystrophy. Also called: Inherited retinal dystrophy. Identifiers: Orphanet 71862, MedGen C0854723, MeSH D058499, MONDO:0019118, HP:0000556.

Submissions (2):

Labcorp Genetics (formerly Invitae), Labcorp
Classification: Uncertain significance. Last evaluated: 2025-04-28. Review status: criteria provided, single submitter. Criteria: Invitae Variant Classification Sherloc (09022015). Collection method: clinical testing. Allele origin: germline.
Comment: This sequence change falls in intron 26 of the ABCC6 gene. It does not directly change the encoded amino acid sequence of the ABCC6 protein. Information on the frequency of this variant in the gnomAD database is not available, as this variant may be reported differently in the database. This variant has not been reported in the literature in individuals affected with ABCC6-related conditions. ClinVar contains an entry for this variant (Variation ID: 1956011). In summary, the available evidence is currently insufficient to determine the role of this variant in disease. Therefore, it has been classified as a Variant of Uncertain Significance.

Institute of Human Genetics, Univ. Regensburg, Univ. Regensburg
Classification: Uncertain significance for Retinal dystrophy. Last evaluated: 2022-01-01. Review status: no assertion criteria provided. Criteria: ACMG Guidelines, 2015. Collection method: clinical testing. Allele origin: germline. Affected: yes. Not counted in ClinVar's aggregate classification.